The following is an entry in ClinVar:

NM_003079.5(SMARCE1):c.715-3C>G

Gene: SMARCE1 (SWI/SNF related BAF chromatin remodeling complex subunit E1; minus strand). Cytogenetic location: 17q21.2.
Variant type: single nucleotide variant.
Coding change: c.715-3C>G on transcript NM_003079.5 (MANE Select); 3 bases into the intron before coding-DNA position 715, C replaced by G.
Molecular consequence: intron variant.
Genome position (GRCh38, 1-based): chr17:40,631,696, G>C on the plus strand (C>G on the coding strand, the complement: SMARCE1 is on the minus strand). VCF-style: chr17-40631696-G-C. GRCh37 (hg19) VCF-style: chr17-38787948-G-C.
Other names: c.715-3C>G (NM_003079.4).
Identifiers: ClinVar variation 1980918 (VCV001980918.5), dbSNP rs2143987101, ClinGen allele CA2580093693.

ClinVar aggregate classification (germline): Uncertain significance. Review status: criteria provided, multiple submitters, no conflicts (2 of 4 stars). 2 submissions from 2 submitters: Uncertain significance (2). Last evaluated 2024-05-22.

Conditions:
Hereditary cancer-predisposing syndrome. Also called: Tumor predisposition; Hereditary neoplastic syndrome; Neoplastic Syndromes, Hereditary; Hereditary Cancer Syndrome. Identifiers: Orphanet 140162, MedGen C0027672, MeSH D009386, MONDO:0015356.
Familial meningioma. Also called: Meningioma, familial, susceptibility to. Identifiers: Orphanet 263662, MedGen C3551915, MONDO:0011789, OMIM 607174.

Submissions (2):

Ambry Genetics
Classification: Uncertain significance for Hereditary cancer-predisposing syndrome. Last evaluated: 2024-05-22. Review status: criteria provided, single submitter. Criteria: Ambry Variant Classification Scheme 2023. Collection method: clinical testing. Allele origin: germline.
Comment: The c.715-3C>G intronic variant results from a C to G substitution 3 nucleotides upstream from coding exon 8 in the SMARCE1 gene. This nucleotide position is well conserved in available vertebrate species. In silico splice site analysis predicts that this alteration will weaken the native splice acceptor site; however, direct evidence is insufficient at this time (Ambry internal data). Based on the available evidence, the clinical significance of this variant remains unclear.

Labcorp Genetics (formerly Invitae), Labcorp
Classification: Uncertain significance for Familial meningioma. Last evaluated: 2022-05-27. Review status: criteria provided, single submitter. Criteria: Invitae Variant Classification Sherloc (09022015). Collection method: clinical testing. Allele origin: germline.
Comment: This variant has not been reported in the literature in individuals affected with SMARCE1-related conditions. This variant is not present in population databases (gnomAD no frequency). This sequence change falls in intron 8 of the SMARCE1 gene. It does not directly change the encoded amino acid sequence of the SMARCE1 protein. It affects a nucleotide within the consensus splice site. Variants that disrupt the consensus splice site are a relatively common cause of aberrant splicing (PMID: 17576681, 9536098). Algorithms developed to predict the effect of sequence changes on RNA splicing suggest that this variant may disrupt the consensus splice site. In summary, the available evidence is currently insufficient to determine the role of this variant in disease. Therefore, it has been classified as a Variant of Uncertain Significance.

Literature cited by the submitters: PubMed 17576681 (cited by Labcorp Genetics (formerly Invitae), Labcorp); PubMed 9536098 (cited by Labcorp Genetics (formerly Invitae), Labcorp).